The following is an entry in ClinVar:

ClinVar aggregate classification (germline): Likely benign. Review status: criteria provided, multiple submitters, no conflicts (2 of 4 stars). 3 submissions from 3 submitters: Likely benign (3). Last evaluated 2025-09-15.

Allele frequency attached by ClinVar (database versions not stated): TOPMed 0.00008; gnomAD 0.00009 and 0.00011; gnomAD exomes 0.00013 and 0.00049; ExAC 0.00169.
gnomAD v4.1: 159 of 1,248,172 alleles (0.013%); highest among the groups gnomAD compares: South Asian, 0.085%; no homozygotes.

Submissions (3):

Labcorp Genetics (formerly Invitae), Labcorp
Classification: Likely benign. Last evaluated: 2025-09-15. Review status: criteria provided, single submitter. Criteria: Invitae Variant Classification Sherloc (09022015). Collection method: clinical testing. Allele origin: germline.

Blueprint Genetics
Classification: Likely benign. Last evaluated: 2024-09-12. Review status: criteria provided, single submitter. Criteria: ACMG Guidelines, 2015. Collection method: clinical testing. Allele origin: germline.

CeGaT Center for Human Genetics Tuebingen
Classification: Likely benign. Last evaluated: 2023-11-01. Review status: criteria provided, single submitter. Criteria: CeGaT Center For Human Genetics Tuebingen Variant Classification Criteria Version 2. Collection method: clinical testing. Allele origin: germline. Affected: yes. Observed: 2 variant alleles.
Comment: TBC1D20: BP4, BP7

NM_144628.4(TBC1D20):c.6C>G (p.Ala2=)

Genes: TBC1D20 (TBC1 domain family member 20; minus strand), LOC130065265 (ATAC-STARR-seq lymphoblastoid silent region 12577; plus strand). Cytogenetic location: 20p13.
Variant type: single nucleotide variant.
Coding change: c.6C>G on transcript NM_144628.4 (MANE Select); coding-DNA position 6, C replaced by G.
Protein change: p.Ala2=; no amino-acid change (alanine 2 retained).
Molecular consequence: synonymous variant. On other transcripts: non-coding transcript variant (1).
Genome position (GRCh38, 1-based): chr20:462,400, G>C on the plus strand (C>G on the coding strand, the complement: TBC1D20 is on the minus strand). VCF-style: chr20-462400-G-C. GRCh37 (hg19) VCF-style: chr20-443044-G-C.
Identifiers: ClinVar variation 1602742 (VCV001602742.33), dbSNP rs757578811, ClinGen allele CA9723733.